The following is an entry in ClinVar:

ClinVar aggregate classification (germline): Pathogenic/Likely pathogenic. Review status: criteria provided, multiple submitters, no conflicts (2 of 4 stars). 2 submissions from 2 submitters: Pathogenic (1); Likely pathogenic (1). Last evaluated 2023-11-14.

Conditions:
Congenital lactic acidosis, Saguenay-Lac-Saint-Jean type (MC4DN5). Also called: MITOCHONDRIAL COMPLEX IV DEFICIENCY, NUCLEAR TYPE 5; CYTOCHROME c OXIDASE DEFICIENCY, FRENCH CANADIAN TYPE; COX DEFICIENCY, FRENCH CANADIAN TYPE. Identifiers: Orphanet 70472, MedGen C1857355, MONDO:0009069, OMIM 220111.

Submissions (2):

Baylor Genetics
Classification: Likely pathogenic for Congenital lactic acidosis, Saguenay-Lac-Saint-Jean type. Last evaluated: 2023-11-14. Review status: criteria provided, single submitter. Criteria: ACMG Guidelines, 2015. Collection method: clinical testing. Allele origin: unknown.

Labcorp Genetics (formerly Invitae), Labcorp
Classification: Pathogenic. Last evaluated: 2021-12-22. Review status: criteria provided, single submitter. Criteria: Invitae Variant Classification Sherloc (09022015). Collection method: clinical testing. Allele origin: germline.
Comment: For these reasons, this variant has been classified as Pathogenic. This variant has not been reported in the literature in individuals affected with LRPPRC-related conditions. This variant is not present in population databases (gnomAD no frequency). This sequence change creates a premature translational stop signal (p.Asn454Metfs*5) in the LRPPRC gene. It is expected to result in an absent or disrupted protein product. Loss-of-function variants in LRPPRC are known to be pathogenic (PMID: 26510951).

Literature cited by the submitters: PubMed 26510951 (cited by Labcorp Genetics (formerly Invitae), Labcorp).

NM_133259.4(LRPPRC):c.1361del (p.Asn454fs)

Gene: LRPPRC (leucine rich pentatricopeptide repeat containing; minus strand). Cytogenetic location: 2p21.
Variant type: Deletion.
Coding change: c.1361del on transcript NM_133259.4 (MANE Select); coding-DNA position 1361, one base deleted (A; older notation c.1361delA).
Protein change: p.Asn454fs; shifts the reading frame from asparagine 454.
Molecular consequence: frameshift variant.
Genome position (GRCh38, 1-based): chr2:43,973,615, T deleted on the plus strand (A on the coding strand, the reverse complement: LRPPRC is on the minus strand); the first of 7 consecutive T bases (chr2:43,973,615-43,973,621); deleting any one gives the same sequence. VCF-style (leftmost placement, unchanged base first): chr2-43973614-AT-A. GRCh37 (hg19) VCF-style: chr2-44200753-AT-A.
Other names: short protein forms N454fs.
Identifiers: ClinVar variation 1454755 (VCV001454755.7), dbSNP rs2103710225, ClinGen allele CA645517298.
Genomic context (GRCh38, chr2:43,973,614, plus strand): 5'-CTGTCATACTGGCTCTGGGAACCATTACAAATCGGTAAAAGGCAAAATCTAACCTTGAAC[AT>A]TTTTTTCCTTCCGACGTCCAACTAGCAATGGCCAGAAATAGTGAGGTCTGATAGGAAAAC-3'